The following is an entry in ClinVar:

ClinVar aggregate classification (germline): Uncertain significance (1 of 4 stars; one submission).

Conditions:
Familial sleep-related hypermotor epilepsy. Also called: Autosomal Dominant Sleep-Related Hypermotor (Hyperkinetic) Epilepsy. Identifiers: Orphanet 98784, MedGen C3696898, MONDO:0000030.

Submission:

Labcorp Genetics (formerly Invitae), Labcorp
Classification: Uncertain significance. Last evaluated: 2024-10-22. Review status: criteria provided, single submitter. Criteria: Invitae Variant Classification Sherloc (09022015). Collection method: clinical testing. Allele origin: germline.
Comment: This sequence change replaces isoleucine, which is neutral and non-polar, with phenylalanine, which is neutral and non-polar, at codon 283 of the CHRNB2 protein (p.Ile283Phe). This variant is not present in population databases (gnomAD no frequency). This variant has not been reported in the literature in individuals affected with CHRNB2-related conditions. ClinVar contains an entry for this variant (Variation ID: 1371437). Invitae Evidence Modeling of protein sequence and biophysical properties (such as structural, functional, and spatial information, amino acid conservation, physicochemical variation, residue mobility, and thermodynamic stability) has been performed for this missense variant. However, the output from this modeling did not meet the statistical confidence thresholds required to predict the impact of this variant on CHRNB2 protein function. In summary, the available evidence is currently insufficient to determine the role of this variant in disease. Therefore, it has been classified as a Variant of Uncertain Significance.

NM_000748.3(CHRNB2):c.847A>T (p.Ile283Phe)

Gene: CHRNB2 (cholinergic receptor nicotinic beta 2 subunit; plus strand). Cytogenetic location: 1q21.3.
Variant type: single nucleotide variant.
Coding change: c.847A>T on transcript NM_000748.3 (MANE Select); coding-DNA position 847, A replaced by T.
Protein change: p.Ile283Phe; replaces isoleucine 283 with phenylalanine.
Molecular consequence: missense variant.
Genome position (GRCh38, 1-based): chr1:154,571,670, A>T. VCF-style: chr1-154571670-A-T. GRCh37 (hg19) VCF-style: chr1-154544146-A-T.
Other names: short protein forms I283F.
Identifiers: ClinVar variation 1371437 (VCV001371437.8), dbSNP rs1388744144, ClinGen allele CA342630960.